The following is an entry in ClinVar:

ClinVar aggregate classification (germline): Uncertain significance. Review status: criteria provided, multiple submitters, no conflicts (2 of 4 stars). 3 submissions from 3 submitters: Uncertain significance (3). Last evaluated 2024-03-07.

Conditions:
Catecholaminergic polymorphic ventricular tachycardia 1. Also called: RYR2-Related Catecholaminergic Polymorphic Ventricular Tachycardia; VENTRICULAR TACHYCARDIA, STRESS-INDUCED POLYMORPHIC 1; VENTRICULAR TACHYCARDIA, CATECHOLAMINERGIC POLYMORPHIC, 1, WITH OR WITHOUT ATRIAL DYSFUNCTION AND/OR DILATED CARDIOMYOPATHY. Identifiers: Orphanet 3286, MedGen C1631597, MONDO:0011484, OMIM 604772.
Cardiovascular phenotype. Identifiers: MedGen CN230736.
Cardiomyopathy (CMYO). Also called: Cardiomyopathies. Identifiers: Orphanet 167848, MedGen C0878544, MONDO:0004994, HP:0001638. Inheritance: Various modes of inheritance.

Submissions (3):

Color Diagnostics, LLC DBA Color Health
Classification: Uncertain significance for Cardiomyopathy. Last evaluated: 2024-03-07. Review status: criteria provided, single submitter. Criteria: ACMG Guidelines, 2015. Collection method: clinical testing. Allele origin: germline.
Comment: This missense variant replaces alanine with threonine at codon 38 of the RYR2 protein. Computational prediction suggests that this variant may have deleterious impact on protein structure and function (internally defined REVEL score threshold >= 0.7, PMID: 27666373). To our knowledge, functional studies have not been reported for this variant. This variant has not been reported in individuals affected with cardiovascular disorders in the literature. This variant has not been identified in the general population by the Genome Aggregation Database (gnomAD). The available evidence is insufficient to determine the role of this variant in disease conclusively. Therefore, this variant is classified as a Variant of Uncertain Significance.

Ambry Genetics
Classification: Uncertain significance for Cardiovascular phenotype. Last evaluated: 2022-05-02. Review status: criteria provided, single submitter. Criteria: Ambry Variant Classification Scheme 2023. Collection method: clinical testing. Allele origin: germline.
Comment: The p.A38T variant (also known as c.112G>A), located in coding exon 2 of the RYR2 gene, results from a G to A substitution at nucleotide position 112. The alanine at codon 38 is replaced by threonine, an amino acid with similar properties. This amino acid position is well conserved in available vertebrate species. In addition, the in silico prediction for this alteration is inconclusive. Since supporting evidence is limited at this time, the clinical significance of this alteration remains unclear.

Labcorp Genetics (formerly Invitae), Labcorp
Classification: Uncertain significance for Catecholaminergic polymorphic ventricular tachycardia 1. Last evaluated: 2021-01-31. Review status: criteria provided, single submitter. Criteria: Invitae Variant Classification Sherloc (09022015). Collection method: clinical testing. Allele origin: germline.
Comment: In summary, the available evidence is currently insufficient to determine the role of this variant in disease. Therefore, it has been classified as a Variant of Uncertain Significance. Algorithms developed to predict the effect of missense changes on protein structure and function are either unavailable or do not agree on the potential impact of this missense change (SIFT: "Tolerated"; PolyPhen-2: "Possibly Damaging"; Align-GVGD: "Class C0"). This variant has not been reported in the literature in individuals with RYR2-related conditions. This variant is not present in population databases (ExAC no frequency). This sequence change replaces alanine with threonine at codon 38 of the RYR2 protein (p.Ala38Thr). The alanine residue is moderately conserved and there is a small physicochemical difference between alanine and threonine.

NM_001035.3(RYR2):c.112G>A (p.Ala38Thr)

Gene: RYR2 (ryanodine receptor 2; plus strand). Cytogenetic location: 1q43.
Variant type: single nucleotide variant.
Coding change: c.112G>A on transcript NM_001035.3 (MANE Select); coding-DNA position 112, G replaced by A.
Protein change: p.Ala38Thr; replaces alanine 38 with threonine.
Molecular consequence: missense variant.
Genome position (GRCh38, 1-based): chr1:237,270,560, G>A. VCF-style: chr1-237270560-G-A. GRCh37 (hg19) VCF-style: chr1-237433860-G-A.
Other names: c.112G>A, p.Ala38Thr (LRG_402t1); short protein forms A38T.
Identifiers: ClinVar variation 641749 (VCV000641749.18), dbSNP rs747977592, ClinGen allele CA345654398.